The following is an entry in ClinVar:

ClinVar aggregate classification (germline): Uncertain significance. Review status: criteria provided, multiple submitters, no conflicts (2 of 4 stars). 3 submissions from 3 submitters: Uncertain significance (3). Last evaluated 2026-04-24.

Conditions:
Cardiovascular phenotype. Identifiers: MedGen CN230736.
Dilated cardiomyopathy 1J (CMD1J). Also called: CARDIOMYOPATHY, DILATED, WITH SENSORINEURAL HEARING LOSS, AUTOSOMAL DOMINANT. Identifiers: Orphanet 217622, MedGen C1854368, MONDO:0011541, OMIM 605362.

gnomAD v4.1: 5 of 1,614,142 alleles (0.00031%); highest among the groups gnomAD compares: South Asian, 0.0055%; no homozygotes.

Submissions (3):

GeneDx
Classification: Uncertain significance. Last evaluated: 2026-04-24. Review status: criteria provided, single submitter. Criteria: GeneDx Variant Classification Process June 2021. Collection method: clinical testing. Allele origin: germline.
Comment: Not observed at significant frequency in large population cohorts (gnomAD); In silico analysis supports that this missense variant has a deleterious effect on protein structure/function; Has not been previously published as pathogenic or benign to our knowledge

Labcorp Genetics (formerly Invitae), Labcorp
Classification: Uncertain significance for Dilated cardiomyopathy 1J. Last evaluated: 2024-02-29. Review status: criteria provided, single submitter. Criteria: Invitae Variant Classification Sherloc (09022015). Collection method: clinical testing. Allele origin: germline.
Comment: This sequence change replaces methionine, which is neutral and non-polar, with isoleucine, which is neutral and non-polar, at codon 478 of the EYA4 protein (p.Met478Ile). This variant is not present in population databases (gnomAD no frequency). This variant has not been reported in the literature in individuals affected with EYA4-related conditions. ClinVar contains an entry for this variant (Variation ID: 1442621). Advanced modeling of protein sequence and biophysical properties (such as structural, functional, and spatial information, amino acid conservation, physicochemical variation, residue mobility, and thermodynamic stability) has been performed at Invitae for this missense variant, however the output from this modeling did not meet the statistical confidence thresholds required to predict the impact of this variant on EYA4 protein function. In summary, the available evidence is currently insufficient to determine the role of this variant in disease. Therefore, it has been classified as a Variant of Uncertain Significance.

Ambry Genetics
Classification: Uncertain significance for Cardiovascular phenotype. Last evaluated: 2020-11-19. Review status: criteria provided, single submitter. Criteria: Ambry Variant Classification Scheme 2023. Collection method: clinical testing. Allele origin: germline.
Comment: The p.M478I variant (also known as c.1434G>A), located in coding exon 15 of the EYA4 gene, results from a G to A substitution at nucleotide position 1434. The methionine at codon 478 is replaced by isoleucine, an amino acid with highly similar properties. This amino acid position is highly conserved in available vertebrate species. In addition, this alteration is predicted to be deleterious by in silico analysis. Since supporting evidence is limited at this time, the clinical significance of this alteration remains unclear.

NM_004100.5(EYA4):c.1434G>A (p.Met478Ile)

Genes: EYA4 (EYA transcriptional coactivator and phosphatase 4; plus strand), TARID (TCF21 antisense RNA inducing promoter demethylation; minus strand). Cytogenetic location: 6q23.2.
Variant type: single nucleotide variant.
Coding change: c.1434G>A on transcript NM_004100.5 (MANE Select); coding-DNA position 1434, G replaced by A.
Protein change: p.Met478Ile; replaces methionine 478 with isoleucine.
Molecular consequence: missense variant.
Genome position (GRCh38, 1-based): chr6:133,512,971, G>A. VCF-style: chr6-133512971-G-A. GRCh37 (hg19) VCF-style: chr6-133834109-G-A.
Other names: c.1272G>A, p.Met424Ile (NM_001301012.2); c.1452G>A, p.Met484Ile (NM_001301013.2); c.1365G>A, p.Met455Ile (NM_001370458.1, NM_172103.4); c.1290G>A, p.Met430Ile (NM_001370459.1); c.1434G>A, p.Met478Ile (NM_172105.4); short protein forms M424I, M455I, M484I, M430I, M478I.
Identifiers: ClinVar variation 1442621 (VCV001442621.11), dbSNP rs1187396214, ClinGen allele CA365715318.